The following is an entry in ClinVar:

NC_000019.9:g.(?_39070602)_(39071164_?)dup

Gene: RYR1 (ryanodine receptor 1; plus strand). Cytogenetic location: 19q13.2.
Variant type: Duplication.
Identifiers: ClinVar variation 1471124 (VCV001471124.4).

ClinVar aggregate classification (germline): Uncertain significance (1 of 4 stars; one submission).

Conditions:
RYR1-related disorder. Also called: RYR1-related condition; RYR1-related disorders. Identifiers: MedGen CN239331.

Submission:

Labcorp Genetics (formerly Invitae), Labcorp
Classification: Uncertain significance for RYR1-related disorder. Last evaluated: 2021-09-29. Review status: criteria provided, single submitter. Criteria: Invitae Variant Classification Sherloc (09022015). Collection method: clinical testing. Allele origin: germline.
Comment: This variant has not been reported in the literature in individuals affected with RYR1-related conditions. This variant results in a copy number gain of the genomic region encompassing exon(s) 100-101 of the RYR1 gene. While the exact position of this variant cannot be determined from the data, sub-genic copy number gains are generally in tandem (PMID: 25640679). This variant is predicted to be in-frame, and likely preserves the integrity of the reading frame. In summary, the available evidence is currently insufficient to determine the role of this variant in disease. Therefore, it has been classified as a Variant of Uncertain Significance.

Literature cited by the submitters: PubMed 25640679.